The following is an entry in ClinVar:

ClinVar aggregate classification (germline): Uncertain significance (1 of 4 stars; one submission).

Conditions:
Common variable immunodeficiency (CVID). Also called: Common variable hypogamma-globulinemia; Common variable agammaglobulinemia. Identifiers: Orphanet 1572, MedGen C0009447, MONDO:0015517.

Submission:

Labcorp Genetics (formerly Invitae), Labcorp
Classification: Uncertain significance for Common variable immunodeficiency. Last evaluated: 2024-10-31. Review status: criteria provided, single submitter. Criteria: Invitae Variant Classification Sherloc (09022015). Collection method: clinical testing. Allele origin: germline.
Comment: This sequence change replaces glycine, which is neutral and non-polar, with arginine, which is basic and polar, at codon 151 of the TNFSF12 protein (p.Gly151Arg). This variant is not present in population databases (gnomAD no frequency). This variant has not been reported in the literature in individuals affected with TNFSF12-related conditions. An algorithm developed to predict the effect of missense changes on protein structure and function (PolyPhen-2) suggests that this variant is likely to be disruptive. In summary, the available evidence is currently insufficient to determine the role of this variant in disease. Therefore, it has been classified as a Variant of Uncertain Significance.

NM_003809.3(TNFSF12):c.451G>C (p.Gly151Arg)

Genes: TNFSF12-TNFSF13 (TNFSF12-TNFSF13 readthrough; plus strand), TNFSF12 (TNF superfamily member 12; plus strand). Cytogenetic location: 17p13.1.
Variant type: single nucleotide variant.
Coding change: c.451G>C on transcript NM_003809.3 (MANE Select); coding-DNA position 451, G replaced by C.
Protein change: p.Gly151Arg; replaces glycine 151 with arginine.
Molecular consequence: missense variant. On other transcripts: non-coding transcript variant (1).
Genome position (GRCh38, 1-based): chr17:7,556,855, G>C. VCF-style: chr17-7556855-G-C. GRCh37 (hg19) VCF-style: chr17-7460172-G-C.
Other names: c.451G>C, p.Gly151Arg (NM_172089.4); short protein forms G151R.
Identifiers: ClinVar variation 3724396 (VCV003724396.2).